The following is an entry in ClinVar:

ClinVar aggregate classification (germline): Uncertain significance (1 of 4 stars; one submission).

Conditions:
Hereditary spastic paraplegia 11. Also called: Nakamura Osame syndrome; Autosomal recessive hereditary spastic paraplegia, mental impairment, and thin corpus callosum; SPASTIC PARAPLEGIA, AUTOSOMAL RECESSIVE, COMPLICATED, WITH THIN CORPUS CALLOSUM; SPASTIC PARAPLEGIA, AUTOSOMAL RECESSIVE, WITH MENTAL IMPAIRMENT AND THIN CORPUS CALLOSUM; Spastic Paraplegia 11; Spastic paraplegia, mental retardation and thin corpus callosum. Identifiers: Orphanet 2822, MedGen C1858479, MONDO:0011445, OMIM 604360.

Submission:

Labcorp Genetics (formerly Invitae), Labcorp
Classification: Uncertain significance for Hereditary spastic paraplegia 11. Last evaluated: 2024-03-18. Review status: criteria provided, single submitter. Criteria: Invitae Variant Classification Sherloc (09022015). Collection method: clinical testing. Allele origin: germline.
Comment: This sequence change falls in intron 34 of the SPG11 gene. It does not directly change the encoded amino acid sequence of the SPG11 protein. It affects a nucleotide within the consensus splice site. This variant is not present in population databases (gnomAD no frequency). This variant has not been reported in the literature in individuals affected with SPG11-related conditions. Variants that disrupt the consensus splice site are a relatively common cause of aberrant splicing (PMID: 17576681, 9536098). Algorithms developed to predict the effect of sequence changes on RNA splicing suggest that this variant is not likely to affect RNA splicing. In summary, the available evidence is currently insufficient to determine the role of this variant in disease. Therefore, it has been classified as a Variant of Uncertain Significance.

Literature cited by the submitters: PubMed 17576681; PubMed 9536098.

NM_025137.4(SPG11):c.6477+6T>G

Gene: SPG11 (SPG11 vesicle trafficking associated, spatacsin; minus strand). Cytogenetic location: 15q21.1.
Variant type: single nucleotide variant.
Coding change: c.6477+6T>G on transcript NM_025137.4 (MANE Select); 6 bases into the intron after coding-DNA position 6477, T replaced by G.
Molecular consequence: intron variant.
Genome position (GRCh38, 1-based): chr15:44,570,519, A>C on the plus strand (T>G on the coding strand, the complement: SPG11 is on the minus strand). VCF-style: chr15-44570519-A-C. GRCh37 (hg19) VCF-style: chr15-44862717-A-C.
Other names: c.6333+6T>G (NM_001411132.1); c.6138+6T>G (NM_001160227.2).
Identifiers: ClinVar variation 3646572 (VCV003646572.2).